The following is an entry in ClinVar:

NM_001852.4(COL9A2):c.904C>T (p.Pro302Ser)

Gene: COL9A2 (collagen type IX alpha 2 chain; minus strand). Cytogenetic location: 1p34.2.
Variant type: single nucleotide variant.
Coding change: c.904C>T on transcript NM_001852.4 (MANE Select); coding-DNA position 904, C replaced by T.
Protein change: p.Pro302Ser; replaces proline 302 with serine.
Molecular consequence: missense variant.
Genome position (GRCh38, 1-based): chr1:40,307,753, G>A on the plus strand (C>T on the coding strand, the complement: COL9A2 is on the minus strand). VCF-style: chr1-40307753-G-A. GRCh37 (hg19) VCF-style: chr1-40773425-G-A.
Other names: short protein forms P302S.
Identifiers: ClinVar variation 1395613 (VCV001395613.6), dbSNP rs2124072468, ClinGen allele CA339852731.

ClinVar aggregate classification (germline): Uncertain significance (1 of 4 stars; one submission).

gnomAD v4.1: 16 of 1,614,098 alleles (0.00099%); highest among the groups gnomAD compares: Non-Finnish European, 0.0014%; no homozygotes.

Submission:

Labcorp Genetics (formerly Invitae), Labcorp
Classification: Uncertain significance. Last evaluated: 2025-04-16. Review status: criteria provided, single submitter. Criteria: Invitae Variant Classification Sherloc (09022015). Collection method: clinical testing. Allele origin: germline.
Comment: This sequence change replaces proline, which is neutral and non-polar, with serine, which is neutral and polar, at codon 302 of the COL9A2 protein (p.Pro302Ser). This variant is not present in population databases (gnomAD no frequency). This variant has not been reported in the literature in individuals affected with COL9A2-related conditions. ClinVar contains an entry for this variant (Variation ID: 1395613). Invitae Evidence Modeling of protein sequence and biophysical properties (such as structural, functional, and spatial information, amino acid conservation, physicochemical variation, residue mobility, and thermodynamic stability) indicates that this missense variant is not expected to disrupt COL9A2 protein function with a negative predictive value of 95%. In summary, the available evidence is currently insufficient to determine the role of this variant in disease. Therefore, it has been classified as a Variant of Uncertain Significance.